The following is an entry in ClinVar:

ClinVar aggregate classification (germline): Uncertain significance (1 of 4 stars; one submission).

Allele frequency attached by ClinVar (database versions not stated): TOPMed below 0.00001.

Submission:

Labcorp Genetics (formerly Invitae), Labcorp
Classification: Uncertain significance. Last evaluated: 2021-03-12. Review status: criteria provided, single submitter. Criteria: Invitae Variant Classification Sherloc (09022015). Collection method: clinical testing. Allele origin: germline.
Comment: This sequence change replaces threonine with alanine at codon 294 of the UBA5 protein (p.Thr294Ala). The threonine residue is moderately conserved and there is a small physicochemical difference between threonine and alanine. This variant is not present in population databases (ExAC no frequency). This variant has not been reported in the literature in individuals with UBA5-related conditions. Algorithms developed to predict the effect of missense changes on protein structure and function are either unavailable or do not agree on the potential impact of this missense change (SIFT: "Not Available"; PolyPhen-2: "Benign"; Align-GVGD: "Not Available"). In summary, the available evidence is currently insufficient to determine the role of this variant in disease. Therefore, it has been classified as a Variant of Uncertain Significance.

NM_024818.6(UBA5):c.880A>G (p.Thr294Ala)

Genes: NPHP3-ACAD11 (NPHP3-ACAD11 readthrough (NMD candidate); minus strand), UBA5 (ubiquitin like modifier activating enzyme 5; plus strand). Cytogenetic location: 3q22.1.
Variant type: single nucleotide variant.
Coding change: c.880A>G on transcript NM_024818.6 (MANE Select); coding-DNA position 880, A replaced by G.
Protein change: p.Thr294Ala; replaces threonine 294 with alanine.
Molecular consequence: missense variant.
Genome position (GRCh38, 1-based): chr3:132,675,315, A>G. VCF-style: chr3-132675315-A-G. GRCh37 (hg19) VCF-style: chr3-132394159-A-G.
Other names: c.712A>G, p.Thr238Ala (NM_001320210.2, NM_198329.4); c.610A>G, p.Thr204Ala (NM_001321238.2); c.544A>G, p.Thr182Ala (NM_001321239.1); short protein forms T182A, T204A, T238A, T294A.
Identifiers: ClinVar variation 1349892 (VCV001349892.6), dbSNP rs1938789575, ClinGen allele CA354576210.